The following is an entry in ClinVar:

ClinVar aggregate classification (germline): Uncertain significance (1 of 4 stars; one submission).

Conditions:
ZMIZ1-related disorder. Also called: ZMIZ1-related condition.

gnomAD v4.1: 3 of 1,614,056 alleles (0.00019%); highest among the groups gnomAD compares: Non-Finnish European, 0.00025%; no homozygotes.

Submission:

PreventionGenetics, part of Exact Sciences
Classification: Uncertain significance for ZMIZ1-related condition. Last evaluated: 2025-11-25. Review status: criteria provided, single submitter. Criteria: ACMG Guidelines, 2015. Collection method: clinical testing. Allele origin: germline.
Comment: The ZMIZ1 c.2510C>G variant is predicted to result in the amino acid substitution p.Pro837Arg. To our knowledge, this variant has not been reported in the literature or in a large population database (gnomAD), indicating this variant is rare. At this time, the clinical significance of this variant is uncertain due to the absence of conclusive functional and genetic evidence.

NM_020338.4(ZMIZ1):c.2510C>G (p.Pro837Arg)

Gene: ZMIZ1 (zinc finger MIZ-type containing 1; plus strand). Cytogenetic location: 10q22.3.
Variant type: single nucleotide variant.
Coding change: c.2510C>G on transcript NM_020338.4 (MANE Select); coding-DNA position 2510, C replaced by G.
Protein change: p.Pro837Arg; replaces proline 837 with arginine.
Molecular consequence: missense variant.
Genome position (GRCh38, 1-based): chr10:79,306,186, C>G. VCF-style: chr10-79306186-C-G. GRCh37 (hg19) VCF-style: chr10-81065943-C-G.
Other names: short protein forms P837R.
Identifiers: ClinVar variation 4994960 (VCV004994960.1).